The following is an entry in ClinVar:

NM_002880.4(RAF1):c.935_936del (p.Val312fs)

Gene: RAF1 (Raf-1 proto-oncogene, serine/threonine kinase; minus strand). Cytogenetic location: 3p25.2.
Variant type: Deletion.
Coding change: c.935_936del on transcript NM_002880.4 (MANE Select); coding-DNA positions 935 to 936, 2 bases deleted (TG; older notation c.935_936delTG).
Protein change: p.Val312fs; shifts the reading frame from valine 312.
Molecular consequence: frameshift variant. On other transcripts: non-coding transcript variant (3).
Genome position (GRCh38, 1-based): chr3:12,600,206-12,600,207, CA deleted on the plus strand (TG on the coding strand, the reverse complement: RAF1 is on the minus strand); deleting any 2 consecutive bases within chr3:12,600,206-12,600,208 gives the same sequence; the c. name uses the placement nearest the transcript's 3' end. VCF-style (leftmost placement, unchanged base first): chr3-12600205-GCA-G. GRCh37 (hg19) VCF-style: chr3-12641704-GCA-G.
Other names: c.995_996del, p.Val332fs (NM_001354689.3); c.935_936del, p.Val312fs (NM_001354690.3); c.692_693del, p.Val231fs (NM_001354691.3, NM_001354692.3); c.836_837del, p.Val279fs (NM_001354693.3); c.752_753del, p.Val251fs (NM_001354694.3); c.593_594del, p.Val198fs (NM_001354695.3); short protein forms V198fs, V251fs, V279fs, V312fs, V332fs, V231fs.
Identifiers: ClinVar variation 3725485 (VCV003725485.2).

ClinVar aggregate classification (germline): Uncertain significance (1 of 4 stars; one submission).

Conditions:
RASopathy. Also called: rasopathies; Noonan spectrum disorder. Identifiers: Orphanet 536391, MedGen C5555857, MONDO:0021060.

Submission:

Labcorp Genetics (formerly Invitae), Labcorp
Classification: Uncertain significance for RASopathy. Last evaluated: 2024-11-18. Review status: criteria provided, single submitter. Criteria: Invitae Variant Classification Sherloc (09022015). Collection method: clinical testing. Allele origin: germline.
Comment: This sequence change creates a premature translational stop signal (p.Val312Alafs*19) in the RAF1 gene. It is expected to result in an absent or disrupted protein product. However, the current clinical and genetic evidence is not sufficient to establish whether loss-of-function variants in RAF1 cause disease. This variant is not present in population databases (gnomAD no frequency). This variant has not been reported in the literature in individuals affected with RAF1-related conditions. In summary, the available evidence is currently insufficient to determine the role of this variant in disease. Therefore, it has been classified as a Variant of Uncertain Significance.